The following is an entry in ClinVar:

ClinVar aggregate classification (germline): Uncertain significance (1 of 4 stars; one submission).

Allele frequency attached by ClinVar (database versions not stated): gnomAD exomes 0.00001.
gnomAD v4.1: 4 of 1,575,310 alleles (0.00025%); highest among the groups gnomAD compares: East Asian, 0.0069%; no homozygotes.

Submission:

Ambry Genetics
Classification: Uncertain significance. Last evaluated: 2024-02-24. Review status: criteria provided, single submitter. Criteria: Ambry Variant Classification Scheme 2023. Collection method: clinical testing. Allele origin: germline.
Comment: The p.D1487N variant (also known as c.4459G>A), located in coding exon 32 of the MYOM1 gene, results from a G to A substitution at nucleotide position 4459. The aspartic acid at codon 1487 is replaced by asparagine, an amino acid with highly similar properties. This amino acid position is conserved. In addition, this alteration is predicted to be tolerated by in silico analysis. Based on the available evidence, the clinical significance of this alteration remains unclear.

NM_003803.4(MYOM1):c.4459G>A (p.Asp1487Asn)

Gene: MYOM1 (myomesin 1; minus strand). Cytogenetic location: 18p11.31.
Variant type: single nucleotide variant.
Coding change: c.4459G>A on transcript NM_003803.4 (MANE Select); coding-DNA position 4459, G replaced by A.
Protein change: p.Asp1487Asn; replaces aspartic acid 1487 with asparagine.
Molecular consequence: missense variant.
Genome position (GRCh38, 1-based): chr18:3,083,814, C>T on the plus strand (G>A on the coding strand, the complement: MYOM1 is on the minus strand). VCF-style: chr18-3083814-C-T. GRCh37 (hg19) VCF-style: chr18-3083812-C-T.
Other names: c.4171G>A, p.Asp1391Asn (NM_019856.2); short protein forms D1391N, D1487N.
Identifiers: ClinVar variation 3223568 (VCV003223568.1), dbSNP rs1006416601, ClinGen allele CA295542433.
Genomic context (GRCh38, chr18:3,083,814, plus strand): 5'-ATTTCTACACAGCAAGTAAGTTCTCATTTACTTACTTGTGGGACCAGTTAACTTTCAAAT[C>T]CTCCACATAGTAAGTTACAAAAGAGTACAGTTGGATGCCCTCGGCTGTGCTCTGGATTTT-3'
Protein context (NP_003794.3, residues 1477-1497): LYSFVTYYVE[Asp1487Asn]LKVNWSHNGS